The following is an entry in ClinVar:

NM_021129.4(PPA1):c.-11A>C

Genes: PPA1 (inorganic pyrophosphatase 1; minus strand), LOC130003999 (ATAC-STARR-seq lymphoblastoid silent region 2443; plus strand). Cytogenetic location: 10q22.1.
Variant type: single nucleotide variant.
Coding change: c.-11A>C on transcript NM_021129.4 (MANE Select); 11 bases upstream of the start codon, A replaced by C.
Molecular consequence: 5 prime UTR variant.
Genome position (GRCh38, 1-based): chr10:70,233,338, T>G on the plus strand (A>C on the coding strand, the complement: PPA1 is on the minus strand). VCF-style: chr10-70233338-T-G. GRCh37 (hg19) VCF-style: chr10-71993094-T-G.
Identifiers: ClinVar variation 403335 (VCV000403335.5), dbSNP rs7077538, ClinGen allele CA5536789.

ClinVar aggregate classification (germline): Benign. Review status: criteria provided, multiple submitters, no conflicts (2 of 4 stars). 2 submissions from 2 submitters: Benign (2). Last evaluated 2016-03-29.

Allele frequency attached by ClinVar (database versions not stated): ESP Exome Variant Server 0.17817; 1000 Genomes Project 30x 0.18660; 1000 Genomes Project 0.18930; TOPMed 0.22039; gnomAD 0.24403 and 0.24435; gnomAD exomes 0.25802 and 0.30763; ExAC 0.26208.
gnomAD v4.1: 460,911 of 1,534,116 alleles (30%); highest among the groups gnomAD compares: Non-Finnish European, 33%; 73,794 homozygotes.

Submissions (2):

Laboratory for Molecular Medicine, Mass General Brigham Personalized Medicine
Classification: Benign. Last evaluated: 2016-03-29. Review status: criteria provided, single submitter. Criteria: LMM Criteria. Collection method: clinical testing. Allele origin: germline.
Comment: Variant identified in a genome or exome case(s) and assessed due to predicted null impact of the variant or pathogenic assertions in the literature or databases. Disclaimer: This variant has not undergone full assessment. The following are preliminary notes: Frequency

Breakthrough Genomics
Classification: Benign. Review status: criteria provided, single submitter. Criteria: ACMG Guidelines, 2015. Collection method: not provided. Allele origin: germline. Inheritance: Unknown mechanism. Affected: yes.